The following is an entry in ClinVar:

ClinVar aggregate classification (germline): Pathogenic. Review status: criteria provided, multiple submitters, no conflicts (2 of 4 stars). 5 submissions from 5 submitters: Pathogenic (5). Last evaluated 2026-01-02.

Conditions:
RSPH9-related disorder. Also called: RSPH9-related condition.
Primary ciliary dyskinesia. Also called: Ciliary dyskinesia. Identifiers: Orphanet 244, MedGen C0008780, MONDO:0016575, HP:0012265.

Allele frequency attached by ClinVar (database versions not stated): gnomAD exomes 0.00002 and 0.00004; ExAC 0.00004; TOPMed 0.00005; gnomAD 0.00006; ESP Exome Variant Server 0.00015; 1000 Genomes Project 30x 0.00016; 1000 Genomes Project 0.00020.

Submissions (5):

Labcorp Genetics (formerly Invitae), Labcorp
Classification: Pathogenic for Primary ciliary dyskinesia. Last evaluated: 2026-01-02. Review status: criteria provided, single submitter. Criteria: Invitae Variant Classification Sherloc (09022015). Collection method: clinical testing. Allele origin: germline.
Comment: This sequence change creates a premature translational stop signal (p.Arg156*) in the RSPH9 gene. It is expected to result in an absent or disrupted protein product. Loss-of-function variants in RSPH9 are known to be pathogenic (PMID: 23993197, 25789548). This variant is present in population databases (rs376496894, gnomAD 0.03%). This premature translational stop signal has been observed in individual(s) with primary ciliary dyskinesia (PMID: 25789548). ClinVar contains an entry for this variant (Variation ID: 502312). For these reasons, this variant has been classified as Pathogenic.

GeneDx
Classification: Pathogenic. Last evaluated: 2025-05-07. Review status: criteria provided, single submitter. Criteria: GeneDx Variant Classification Process June 2021. Collection method: clinical testing. Allele origin: germline. Affected: yes.
Comment: Nonsense variant predicted to result in protein truncation or nonsense mediated decay in a gene for which loss of function is a known mechanism of disease; This variant is associated with the following publications: (PMID: 34426522, 28152038, 25789548, 31980526)

Ambry Genetics
Classification: Pathogenic for Primary ciliary dyskinesia. Last evaluated: 2023-12-22. Review status: criteria provided, single submitter. Criteria: Ambry Variant Classification Scheme 2023. Collection method: clinical testing. Allele origin: germline.
Comment: The p.R156* pathogenic mutation (also known as c.466C>T), located in coding exon 3 of the RSPH9 gene, results from a C to T substitution at nucleotide position 466. This changes the amino acid from an arginine to a stop codon within coding exon 3. This alteration was detected in the homozygous state in an individual with RSPH9-related primary ciliary dyskinesia (Frommer A et al. Am J Respir Cell Mol Biol, 2015 Oct;53:563-73). In addition to the clinical data presented in the literature, this alteration is expected to result in loss of function by premature protein truncation or nonsense-mediated mRNA decay. As such, this alteration is interpreted as a disease-causing mutation.

Blueprint Genetics
Classification: Pathogenic for RSPH9-related disorders. Last evaluated: 2023-05-30. Review status: criteria provided, single submitter. Criteria: ACMG Guidelines, 2015. Collection method: clinical testing. Allele origin: germline. Affected: yes. Observed: 1 variant allele.

Eurofins Ntd Llc (ga)
Classification: Pathogenic. Last evaluated: 2017-05-31. Review status: criteria provided, single submitter. Criteria: EGL Classification Definitions 2015. Collection method: clinical testing. Allele origin: germline. Observed: 1 variant allele, 1 heterozygote.

Literature cited by the submitters: PubMed 23993197 (cited by Labcorp Genetics (formerly Invitae), Labcorp); PubMed 25789548 (cited by Labcorp Genetics (formerly Invitae), Labcorp and Ambry Genetics).

NM_152732.5(RSPH9):c.466C>T (p.Arg156Ter)

Gene: RSPH9 (radial spoke head component 9; plus strand). Cytogenetic location: 6p21.1.
Variant type: single nucleotide variant.
Coding change: c.466C>T on transcript NM_152732.5 (MANE Select); coding-DNA position 466, C replaced by T.
Protein change: p.Arg156Ter; replaces arginine 156 with a stop codon.
Molecular consequence: nonsense. On other transcripts: non-coding transcript variant (2).
Genome position (GRCh38, 1-based): chr6:43,655,634, C>T. VCF-style: chr6-43655634-C-T. GRCh37 (hg19) VCF-style: chr6-43623371-C-T.
Other names: c.421C>T, p.Arg141Ter (NM_001193341.2, NM_001424120.1); c.466C>T, p.Arg156Ter (NM_001424119.1, NM_001424121.1); short protein forms R156*, R141*.
Identifiers: ClinVar variation 502312 (VCV000502312.18), dbSNP rs376496894, ClinGen allele CA3828303.